The following is an entry in ClinVar:

ClinVar aggregate classification (germline): Likely benign. Review status: criteria provided, multiple submitters, no conflicts (2 of 4 stars). 3 submissions from 3 submitters: Likely benign (2). 1 of the submissions does not count toward it. Last evaluated 2025-10-30.

Conditions:
ATP1A1-related disorder. Also called: ATP1A1-related condition.

Allele frequency attached by ClinVar (database versions not stated): ExAC 0.00002; gnomAD exomes 0.00004 and 0.00013; gnomAD 0.00007; TOPMed 0.00007; ESP Exome Variant Server 0.00008.
gnomAD v4.1: 192 of 1,614,062 alleles (0.012%); highest among the groups gnomAD compares: Middle Eastern, 0.016%; no homozygotes.

Submissions (3):

Labcorp Genetics (formerly Invitae), Labcorp
Classification: Likely benign. Last evaluated: 2025-10-30. Review status: criteria provided, single submitter. Criteria: Invitae Variant Classification Sherloc (09022015). Collection method: clinical testing. Allele origin: germline.

Mayo Clinic Laboratories, Mayo Clinic
Classification: Likely benign. Last evaluated: 2025-09-16. Review status: criteria provided, single submitter. Criteria: ACMG Guidelines, 2015. Collection method: clinical testing. Allele origin: germline. Observed: 2 variant alleles.
Comment: BP4, BP7

PreventionGenetics, part of Exact Sciences
Classification: Likely benign for ATP1A1-related condition. Last evaluated: 2024-05-13. Review status: no assertion criteria provided. Collection method: clinical testing. Allele origin: germline. Not counted in ClinVar's aggregate classification.
Comment: This variant is classified as likely benign based on ACMG/AMP sequence variant interpretation guidelines (Richards et al. 2015 PMID: 25741868, with internal and published modifications).

NM_000701.8(ATP1A1):c.1578G>A (p.Lys526=)

Genes: ATP1A1 (ATPase Na+/K+ transporting subunit alpha 1; plus strand), ATP1A1-AS1 (ATP1A1 antisense RNA 1; minus strand). Cytogenetic location: 1p13.1.
Variant type: single nucleotide variant.
Coding change: c.1578G>A on transcript NM_000701.8 (MANE Select); coding-DNA position 1578, G replaced by A.
Protein change: p.Lys526=; no amino-acid change (lysine 526 retained).
Molecular consequence: synonymous variant.
Genome position (GRCh38, 1-based): chr1:116,393,641, G>A. VCF-style: chr1-116393641-G-A. GRCh37 (hg19) VCF-style: chr1-116936263-G-A.
Other names: p.Lys526=; c.1578G>A, p.Lys526= (NM_001160233.2); c.1485G>A, p.Lys495= (NM_001160234.2); c.1578G>A (NM_000701.7).
Identifiers: ClinVar variation 1450131 (VCV001450131.9), dbSNP rs377581743, ClinGen allele CA1025351.